The following is an entry in ClinVar:

ClinVar aggregate classification (germline): Uncertain significance. Review status: criteria provided, multiple submitters, no conflicts (2 of 4 stars). 4 submissions from 4 submitters: Uncertain significance (4). Last evaluated 2025-05-27.

Conditions:
Inborn genetic diseases. Identifiers: MedGen C0950123, MeSH D030342.
Retinitis pigmentosa 80 (RP80). Identifiers: MedGen C4540439, MONDO:0054708, OMIM 617781.
Saldino-Mainzer syndrome (SRTD9). Also called: Renal dysplasia, retinal pigmentary dystrophy, cerebellar ataxia and skeletal dysplasia; CONORENAL SYNDROME; short-rib thoracic dysplasia 9 with or without polydactyly; SHORT-RIB THORACIC DYSPLASIA 9 WITHOUT POLYDACTYLY. Identifiers: Orphanet 140969, MedGen C1849437, MONDO:0009964, OMIM 266920.

Allele frequency attached by ClinVar (database versions not stated): gnomAD 0.00001; gnomAD exomes 0.00001 and 0.00003; ExAC 0.00002.
gnomAD v4.1: 17 of 1,609,696 alleles (0.0011%); highest among the groups gnomAD compares: Admixed American, 0.0084%; no homozygotes.

Submissions (4):

Labcorp Genetics (formerly Invitae), Labcorp
Classification: Uncertain significance for Saldino-Mainzer syndrome. Last evaluated: 2025-05-27. Review status: criteria provided, single submitter. Criteria: Invitae Variant Classification Sherloc (09022015). Collection method: clinical testing. Allele origin: germline.
Comment: This sequence change replaces valine, which is neutral and non-polar, with methionine, which is neutral and non-polar, at codon 819 of the IFT140 protein (p.Val819Met). This variant is present in population databases (rs766515079, gnomAD 0.02%). This variant has not been reported in the literature in individuals affected with IFT140-related conditions. ClinVar contains an entry for this variant (Variation ID: 939744). Invitae Evidence Modeling of protein sequence and biophysical properties (such as structural, functional, and spatial information, amino acid conservation, physicochemical variation, residue mobility, and thermodynamic stability) has been performed for this missense variant. However, the output from this modeling did not meet the statistical confidence thresholds required to predict the impact of this variant on IFT140 protein function. In summary, the available evidence is currently insufficient to determine the role of this variant in disease. Therefore, it has been classified as a Variant of Uncertain Significance.

Ambry Genetics
Classification: Uncertain significance for Inborn genetic diseases. Last evaluated: 2023-11-09. Review status: criteria provided, single submitter. Criteria: Ambry Variant Classification Scheme 2023. Collection method: clinical testing. Allele origin: germline.

Blueprint Genetics
Classification: Uncertain significance. Last evaluated: 2023-02-24. Review status: criteria provided, single submitter. Criteria: ACMG Guidelines, 2015. Collection method: clinical testing. Allele origin: germline.

Fulgent Genetics
Classification: Uncertain significance for Saldino-Mainzer syndrome; Retinitis pigmentosa 80. Last evaluated: 2022-02-03. Review status: criteria provided, single submitter. Criteria: ACMG Guidelines, 2015. Collection method: clinical testing. Allele origin: unknown.

NM_014714.4(IFT140):c.2455G>A (p.Val819Met)

Gene: IFT140 (intraflagellar transport 140; minus strand). Cytogenetic location: 16p13.3.
Variant type: single nucleotide variant.
Coding change: c.2455G>A on transcript NM_014714.4 (MANE Select); coding-DNA position 2455, G replaced by A.
Protein change: p.Val819Met; replaces valine 819 with methionine.
Molecular consequence: missense variant.
Genome position (GRCh38, 1-based): chr16:1,526,741, C>T on the plus strand (G>A on the coding strand, the complement: IFT140 is on the minus strand). VCF-style: chr16-1526741-C-T. GRCh37 (hg19) VCF-style: chr16-1576742-C-T.
Other names: short protein forms V819M.
Identifiers: ClinVar variation 939744 (VCV000939744.11), dbSNP rs766515079, ClinGen allele CA7813619.